The following is an entry in ClinVar:

ClinVar aggregate classification (germline): Conflicting classifications of pathogenicity. Review status: criteria provided, conflicting classifications (1 of 4 stars). 7 submissions from 7 submitters: Uncertain significance (3); Benign (1); Likely benign (3). Last evaluated 2025-12-23.

Conditions:
Hereditary cancer-predisposing syndrome. Also called: Neoplastic Syndromes, Hereditary; Hereditary Cancer Syndrome; Tumor predisposition; Hereditary neoplastic syndrome. Identifiers: Orphanet 140162, MedGen C0027672, MeSH D009386, MONDO:0015356.
Tuberous sclerosis syndrome (TSC). Also called: Tuberous Sclerosis Complex; Tuberous sclerosis. Identifiers: Orphanet 805, MedGen C0041341, MONDO:0001734.
Tuberous sclerosis 2 (TSC2). Identifiers: Orphanet 805, MedGen C1860707, MONDO:0013199, OMIM 613254.

Allele frequency attached by ClinVar (database versions not stated): gnomAD 0.00001; TOPMed 0.00003.

Submissions (7):

Labcorp Genetics (formerly Invitae), Labcorp
Classification: Benign for Tuberous sclerosis 2. Last evaluated: 2025-12-23. Review status: criteria provided, single submitter. Criteria: Invitae Variant Classification Sherloc (09022015). Collection method: clinical testing. Allele origin: germline.

Blueprint Genetics
Classification: Likely benign. Last evaluated: 2024-10-28. Review status: criteria provided, single submitter. Criteria: ACMG Guidelines, 2015. Collection method: clinical testing. Allele origin: germline.

Ambry Genetics
Classification: Uncertain significance for Hereditary cancer-predisposing syndrome. Last evaluated: 2024-03-19. Review status: criteria provided, single submitter. Criteria: Ambry Variant Classification Scheme 2023. Collection method: clinical testing. Allele origin: germline.

All of Us Research Program, National Institutes of Health
Classification: Uncertain significance for Tuberous sclerosis syndrome. Last evaluated: 2023-12-13. Review status: criteria provided, single submitter. Criteria: ACMG Guidelines, 2015. Collection method: clinical testing. Allele origin: germline. Inheritance: Autosomal dominant inheritance. Observed: 5 variant alleles, 5 heterozygotes.
Comment: This missense variant replaces glutamic acid with aspartic acid at codon 1313 of the TSC2 protein. Computational prediction is inconclusive regarding the impact of this variant on protein structure and function (internally defined REVEL score threshold 0.5 < inconclusive < 0.7, PMID: 27666373). To our knowledge, functional studies have not been reported for this variant. This variant has not been reported in individuals affected with tuberous sclerosis complex in the literature. This variant has been identified in 2/239196 chromosomes in the general population by the Genome Aggregation Database (gnomAD). The available evidence is insufficient to determine the role of this variant in disease conclusively. Therefore, this variant is classified as a Variant of Uncertain Significance.

This study involves interpretation of variants in research participants for the purpose of population health screening. Participant phenotype was not available at the time of variant classification. Additional details can be found in publication PMID: 35346344, PMCID: PMC8962531

Color Diagnostics, LLC DBA Color Health
Classification: Uncertain significance for Tuberous sclerosis syndrome. Last evaluated: 2023-11-08. Review status: criteria provided, single submitter. Criteria: ACMG Guidelines, 2015. Collection method: clinical testing. Allele origin: germline.
Comment: This missense variant replaces glutamic acid with aspartic acid at codon 1313 of the TSC2 protein. Computational prediction is inconclusive regarding the impact of this variant on protein structure and function (internally defined REVEL score threshold 0.5 < inconclusive < 0.7, PMID: 27666373). To our knowledge, functional studies have not been reported for this variant. This variant has not been reported in individuals affected with tuberous sclerosis complex in the literature. This variant has been identified in 2/239196 chromosomes in the general population by the Genome Aggregation Database (gnomAD). The available evidence is insufficient to determine the role of this variant in disease conclusively. Therefore, this variant is classified as a Variant of Uncertain Significance.

GeneDx
Classification: Likely benign. Last evaluated: 2022-02-08. Review status: criteria provided, single submitter. Criteria: GeneDx Variant Classification Process June 2021. Collection method: clinical testing. Allele origin: germline. Affected: yes.
Comment: In silico analysis, which includes protein predictors and evolutionary conservation, supports that this variant does not alter protein structure/function; Has not been previously published as pathogenic or benign to our knowledge

Genome-Nilou Lab
Classification: Likely benign for Tuberous sclerosis 2. Last evaluated: 2021-11-07. Review status: criteria provided, single submitter. Criteria: ACMG Guidelines, 2015. Collection method: clinical testing. Allele origin: germline. Affected: no.

NM_000548.5(TSC2):c.3939G>T (p.Glu1313Asp)

Gene: TSC2 (TSC complex subunit 2; plus strand). Cytogenetic location: 16p13.3.
Variant type: single nucleotide variant.
Coding change: c.3939G>T on transcript NM_000548.5 (MANE Select); coding-DNA position 3939, G replaced by T.
Protein change: p.Glu1313Asp; replaces glutamic acid 1313 with aspartic acid.
Molecular consequence: missense variant.
Genome position (GRCh38, 1-based): chr16:2,083,750, G>T. VCF-style: chr16-2083750-G-T. GRCh37 (hg19) VCF-style: chr16-2133751-G-T.
Other names: p.E1313D:GAG>GAT; c.3738G>T, p.Glu1246Asp (NM_001077183.3); c.3870G>T, p.Glu1290Asp (NM_001114382.3); c.3630G>T, p.Glu1210Asp (NM_001318827.2); c.3594G>T, p.Glu1198Asp (NM_001318829.2); c.3207G>T, p.Glu1069Asp (NM_001318831.2); c.3771G>T, p.Glu1257Asp (NM_001318832.2); c.3741G>T, p.Glu1247Asp (NM_001363528.2); and 2 more; short protein forms E1313D, E1246D, E1069D, E1198D, E1247D, E1269D, E1210D, E1257D.
Identifiers: ClinVar variation 207749 (VCV000207749.26), dbSNP rs149340262, ClinGen allele CA049654.